The following is an entry in ClinVar:

ClinVar aggregate classification (germline): Uncertain significance (1 of 4 stars; one submission).

gnomAD v4.1: 11 of 1,612,236 alleles (0.00068%); highest among the groups gnomAD compares: East Asian, 0.011%; no homozygotes.

Submission:

GeneDx
Classification: Uncertain significance. Last evaluated: 2025-10-31. Review status: criteria provided, single submitter. Criteria: GeneDx Variant Classification Process June 2021. Collection method: clinical testing. Allele origin: germline.
Comment: Reported in a patient with intrahepatic cholestasis of pregnancy in published literature (PMID: 36046230); In silico analysis indicates that this missense variant does not alter protein structure/function; This variant is associated with the following publications: (PMID: 36046230)

NM_004817.4(TJP2):c.376G>A (p.Ala126Thr)

Gene: TJP2 (tight junction protein 2; plus strand). Cytogenetic location: 9q21.11.
Variant type: single nucleotide variant.
Coding change: c.376G>A on transcript NM_004817.4 (MANE Select); coding-DNA position 376, G replaced by A.
Protein change: p.Ala126Thr; replaces alanine 126 with threonine.
Molecular consequence: missense variant.
Genome position (GRCh38, 1-based): chr9:69,220,920, G>A. VCF-style: chr9-69220920-G-A. GRCh37 (hg19) VCF-style: chr9-71835836-G-A.
Other names: c.307G>A, p.Ala103Thr (NM_001369871.1, NM_001170414.2, NM_001369870.1); c.376G>A, p.Ala126Thr (NM_001369872.1, NM_001369873.1, NM_201629.3); c.388G>A, p.Ala130Thr (NM_001369874.1, NM_001369875.1, NM_001170415.1); c.469G>A, p.Ala157Thr (NM_001170416.2); short protein forms A103T, A126T, A130T, A157T.
Identifiers: ClinVar variation 3774612 (VCV003774612.2).